The following is an entry in ClinVar:

ClinVar aggregate classification (germline): Uncertain significance. Review status: criteria provided, multiple submitters, no conflicts (2 of 4 stars). 2 submissions from 2 submitters: Uncertain significance (2). Last evaluated 2023-10-13.

Conditions:
Renal cell carcinoma. Identifiers: Orphanet 217071, MedGen C0007134, MeSH D002292, MONDO:0005086, HP:0005584.
Hereditary cancer-predisposing syndrome. Also called: Neoplastic Syndromes, Hereditary; Tumor predisposition; Hereditary Cancer Syndrome; Hereditary neoplastic syndrome. Identifiers: Orphanet 140162, MedGen C0027672, MeSH D009386, MONDO:0015356.

Submissions (2):

Ambry Genetics
Classification: Uncertain significance for Hereditary cancer-predisposing syndrome. Last evaluated: 2023-10-13. Review status: criteria provided, single submitter. Criteria: Ambry Variant Classification Scheme 2023. Collection method: clinical testing. Allele origin: germline.
Comment: The p.L831F variant (also known as c.2491C>T), located in coding exon 10 of the MET gene, results from a C to T substitution at nucleotide position 2491. The leucine at codon 831 is replaced by phenylalanine, an amino acid with highly similar properties. This amino acid position is conserved. In addition, this alteration is predicted to be tolerated by in silico analysis. Since supporting evidence is limited at this time, the clinical significance of this alteration remains unclear.

Labcorp Genetics (formerly Invitae), Labcorp
Classification: Uncertain significance for Renal cell carcinoma. Last evaluated: 2020-10-14. Review status: criteria provided, single submitter. Criteria: Invitae Variant Classification Sherloc (09022015). Collection method: clinical testing. Allele origin: germline.
Comment: This sequence change replaces leucine with phenylalanine at codon 831 of the MET protein (p.Leu831Phe). The leucine residue is weakly conserved and there is a small physicochemical difference between leucine and phenylalanine. This variant is not present in population databases (ExAC no frequency). This variant has not been reported in the literature in individuals with MET-related conditions. Algorithms developed to predict the effect of missense changes on protein structure and function are either unavailable or do not agree on the potential impact of this missense change (SIFT: "Tolerated"; PolyPhen-2: "Probably Damaging"; Align-GVGD: "Class C0"). In summary, the available evidence is currently insufficient to determine the role of this variant in disease. Therefore, it has been classified as a Variant of Uncertain Significance.

NM_000245.4(MET):c.2437C>T (p.Leu813Phe)

Gene: MET (MET proto-oncogene, receptor tyrosine kinase; plus strand). Cytogenetic location: 7q31.2.
Variant type: single nucleotide variant.
Coding change: c.2437C>T on transcript NM_000245.4 (MANE Select); coding-DNA position 2437, C replaced by T.
Protein change: p.Leu813Phe; replaces leucine 813 with phenylalanine.
Molecular consequence: missense variant.
Genome position (GRCh38, 1-based): chr7:116,763,122, C>T. VCF-style: chr7-116763122-C-T. GRCh37 (hg19) VCF-style: chr7-116403176-C-T.
Other names: c.2491C>T (NM_001127500.1); c.2491C>T, p.Leu831Phe (NM_001127500.3); c.2437C>T, p.Leu813Phe (NM_001324401.3); c.1147C>T, p.Leu383Phe (NM_001324402.2); short protein forms L383F, L813F, L831F.
Identifiers: ClinVar variation 1026626 (VCV001026626.10), dbSNP rs745345346, ClinGen allele CA368983188.